The following is an entry in ClinVar:

NM_024426.6(WT1):c.173T>G (p.Leu58Arg)

Genes: WT1 (WT1 transcription factor; minus strand), LOC107982234 (WT1/WT1-AS bi-directional promoter region; plus strand). Cytogenetic location: 11p13.
Variant type: single nucleotide variant.
Coding change: c.173T>G on transcript NM_024426.6 (MANE Select); coding-DNA position 173, T replaced by G.
Protein change: p.Leu58Arg; replaces leucine 58 with arginine.
Molecular consequence: missense variant. On other transcripts: non-coding transcript variant (1).
Genome position (GRCh38, 1-based): chr11:32,435,188, A>C on the plus strand (T>G on the coding strand, the complement: WT1 is on the minus strand). VCF-style: chr11-32435188-A-C. GRCh37 (hg19) VCF-style: chr11-32456734-A-C.
Other names: c.173T>G, p.Leu58Arg (NM_000378.6, NM_001407044.1, NM_001407045.1 and 6 more transcripts); c.158T>G (NM_024426.4); c.158T>G, p.Leu53Arg (NM_024425.2); short protein forms L53R, L58R.
Identifiers: ClinVar variation 1721291 (VCV001721291.7), dbSNP rs2133106445, ClinGen allele CA379966230.
Genomic context (GRCh38, chr11:32,435,188, plus strand): 5'-ACGTCGGAGCCCATTTGCTGCGGCTCAGACCCGGACGCCCCGCGGCTCCTCCGGCCCTGG[A>C]GACGTTCAGCGCTGGCCTCGGCGGCGCCTAACTTGGCCCAGATGCCGCCCGGGTCCCGGA-3'
Protein context (NP_077744.4, residues 48-68): LGAAEASAER[Leu58Arg]QGRRSRGASG

ClinVar aggregate classification (germline): Uncertain significance. Review status: criteria provided, multiple submitters, no conflicts (2 of 4 stars). 2 submissions from 2 submitters: Uncertain significance (2). Last evaluated 2026-07-07.

Conditions:
Drash syndrome (DDS). Also called: NEPHROPATHY, WILMS TUMOR, AND GENITAL ANOMALIES; WILMS TUMOR AND PSEUDO- OR TRUE HERMAPHRODITISM. Identifiers: Orphanet 220, MedGen C0950121, MONDO:0008682, OMIM 194080.
Frasier syndrome. Identifiers: Orphanet 347, MedGen C0950122, MeSH D052159, MONDO:0007635, OMIM 136680.
Wilms tumor 1 (WT1). Also called: Wilms tumor, somatic. Identifiers: Orphanet 654, MedGen CN033288, MONDO:0008679, OMIM 194070.
11p partial monosomy syndrome (WAGR). Also called: CHROMOSOME 11p13 DELETION SYNDROME; WAGR Spectrum Disorder; WAGR syndrome; WAGR Complex. Identifiers: Orphanet 893, MedGen C0206115, MONDO:0008681, OMIM 194072.
Inborn genetic diseases. Identifiers: MedGen C0950123, MeSH D030342.

Submissions (2):

Ambry Genetics
Classification: Uncertain significance for Inborn genetic diseases. Last evaluated: 2026-07-07. Review status: criteria provided, single submitter. Criteria: Ambry Variant Classification Scheme 2023. Collection method: clinical testing. Allele origin: germline.
Comment: The p.L53R variant (also known as c.158T>G), located in coding exon 1 of the WT1 gene, results from a T to G substitution at nucleotide position 158. The leucine at codon 53 is replaced by arginine, an amino acid with dissimilar properties. This amino acid position is conserved. In addition, this alteration is predicted to be tolerated by in silico analysis. Based on the available evidence, the clinical significance of this variant remains unclear.

Labcorp Genetics (formerly Invitae), Labcorp
Classification: Uncertain significance for Wilms tumor 1; Drash syndrome; 11p partial monosomy syndrome; Frasier syndrome. Last evaluated: 2022-10-08. Review status: criteria provided, single submitter. Criteria: Invitae Variant Classification Sherloc (09022015). Collection method: clinical testing. Allele origin: germline.
Comment: In summary, the available evidence is currently insufficient to determine the role of this variant in disease. Therefore, it has been classified as a Variant of Uncertain Significance. Algorithms developed to predict the effect of missense changes on protein structure and function are either unavailable or do not agree on the potential impact of this missense change (SIFT: "Deleterious"; PolyPhen-2: "Benign"; Align-GVGD: "Class C0"). This variant has not been reported in the literature in individuals affected with WT1-related conditions. This variant is not present in population databases (gnomAD no frequency). This sequence change replaces leucine, which is neutral and non-polar, with arginine, which is basic and polar, at codon 53 of the WT1 protein (p.Leu53Arg).